The following is an entry in ClinVar:

ClinVar aggregate classification (germline): Pathogenic (1 of 4 stars; one submission).

Conditions:
Cerebral cavernous malformation 2. Also called: Familial Cerebral Cavernous Malformation 2. Identifiers: Orphanet 221061, MedGen C1864041, MONDO:0011304, OMIM 603284.

Submission:

Cytogénomique, Hospices Civils de Lyon
Classification: Pathogenic for Cerebral cavernous malformation 2. Last evaluated: 2024-03-11. Review status: criteria provided, single submitter. Criteria: ACMG Guidelines, 2015. Collection method: clinical testing. Allele origin: inherited. Inheritance: Autosomal dominant inheritance. Affected: yes. Observed: 1 variant allele, 1 heterozygote.
Comment: Affects RNA

NC_000007.14:g.45043702_46521017delins[AGAAGGAAATTT;45310743_46521014;45043709_45310738inv]

Genes: ADCY1 (adenylate cyclase 1; plus strand), CCDC201 (coiled-coil domain containing 201; minus strand), CCM2 (CCM2 scaffold protein; plus strand), FASTKD4 (FASTK mitochondrial RNA regulator 4; minus strand), IGFBP1 (insulin like growth factor binding protein 1; plus strand) and 24 more. Cytogenetic location: 7p13-12.3.
Variant type: Indel.
Identifiers: ClinVar variation 3063593 (VCV003063593.1).